The following is an entry in ClinVar:

ClinVar aggregate classification (germline): Uncertain significance (1 of 4 stars; one submission).

Submission:

Labcorp Genetics (formerly Invitae), Labcorp
Classification: Uncertain significance. Last evaluated: 2024-10-08. Review status: criteria provided, single submitter. Criteria: Invitae Variant Classification Sherloc (09022015). Collection method: clinical testing. Allele origin: germline.
Comment: This sequence change replaces serine, which is neutral and polar, with leucine, which is neutral and non-polar, at codon 381 of the MBTPS2 protein (p.Ser381Leu). This variant is not present in population databases (gnomAD no frequency). This variant has not been reported in the literature in individuals affected with MBTPS2-related conditions. Invitae Evidence Modeling of protein sequence and biophysical properties (such as structural, functional, and spatial information, amino acid conservation, physicochemical variation, residue mobility, and thermodynamic stability) indicates that this missense variant is not expected to disrupt MBTPS2 protein function with a negative predictive value of 95%. In summary, the available evidence is currently insufficient to determine the role of this variant in disease. Therefore, it has been classified as a Variant of Uncertain Significance.

NM_015884.4(MBTPS2):c.1142C>T (p.Ser381Leu)

Gene: MBTPS2 (membrane bound transcription factor peptidase, site 2; plus strand). Cytogenetic location: Xp22.12.
Variant type: single nucleotide variant.
Coding change: c.1142C>T on transcript NM_015884.4 (MANE Select); coding-DNA position 1142, C replaced by T.
Protein change: p.Ser381Leu; replaces serine 381 with leucine.
Molecular consequence: missense variant.
Genome position (GRCh38, 1-based): chrX:21,878,573, C>T. VCF-style: chrX-21878573-C-T. GRCh37 (hg19) VCF-style: chrX-21896691-C-T.
Other names: short protein forms S381L.
Identifiers: ClinVar variation 3647034 (VCV003647034.2).